The following is an entry in ClinVar:

ClinVar aggregate classification (germline): Uncertain significance (1 of 4 stars; one submission).

Conditions:
Retinoblastoma (RB1). Also called: RETINOBLASTOMA, SOMATIC. Identifiers: Orphanet 790, MedGen C0035335, MeSH D012175, MONDO:0008380, OMIM 180200, HP:0009919. Disease mechanism: loss of function. Inheritance: Both sporadic and heritable forms are tested..

Allele frequency attached by ClinVar (database versions not stated): gnomAD exomes below 0.00001.
gnomAD v4.1: 4 of 1,613,932 alleles (0.00025%); highest among the groups gnomAD compares: Non-Finnish European, 0.00034%; no homozygotes.

Submission:

Labcorp Genetics (formerly Invitae), Labcorp
Classification: Uncertain significance for Retinoblastoma. Last evaluated: 2024-02-17. Review status: criteria provided, single submitter. Criteria: Invitae Variant Classification Sherloc (09022015). Collection method: clinical testing. Allele origin: germline.
Comment: This sequence change replaces phenylalanine, which is neutral and non-polar, with serine, which is neutral and polar, at codon 792 of the RB1 protein (p.Phe792Ser). This variant is not present in population databases (gnomAD no frequency). This variant has not been reported in the literature in individuals affected with RB1-related conditions. ClinVar contains an entry for this variant (Variation ID: 1516405). Advanced modeling of protein sequence and biophysical properties (such as structural, functional, and spatial information, amino acid conservation, physicochemical variation, residue mobility, and thermodynamic stability) has been performed at Invitae for this missense variant, however the output from this modeling did not meet the statistical confidence thresholds required to predict the impact of this variant on RB1 protein function. In summary, the available evidence is currently insufficient to determine the role of this variant in disease. Therefore, it has been classified as a Variant of Uncertain Significance.

NM_000321.3(RB1):c.2375T>C (p.Phe792Ser)

Gene: RB1 (RB transcriptional corepressor 1; plus strand). Cytogenetic location: 13q14.2.
Variant type: single nucleotide variant.
Coding change: c.2375T>C on transcript NM_000321.3 (MANE Select); coding-DNA position 2375, T replaced by C.
Protein change: p.Phe792Ser; replaces phenylalanine 792 with serine.
Molecular consequence: missense variant.
Genome position (GRCh38, 1-based): chr13:48,465,254, T>C. VCF-style: chr13-48465254-T-C. GRCh37 (hg19) VCF-style: chr13-49039390-T-C.
Other names: short protein forms F792S.
Identifiers: ClinVar variation 1516405 (VCV001516405.8), dbSNP rs2138345676, ClinGen allele CA388167849.